The following is an entry in ClinVar:

NM_005921.2(MAP3K1):c.1348A>G (p.Met450Val)

Gene: MAP3K1 (mitogen-activated protein kinase kinase kinase 1; plus strand). Cytogenetic location: 5q11.2.
Variant type: single nucleotide variant.
Coding change: c.1348A>G on transcript NM_005921.2 (MANE Select); coding-DNA position 1348, A replaced by G.
Protein change: p.Met450Val; replaces methionine 450 with valine.
Molecular consequence: missense variant.
Genome position (GRCh38, 1-based): chr5:56,871,956, A>G. VCF-style: chr5-56871956-A-G. GRCh37 (hg19) VCF-style: chr5-56167783-A-G.
Other names: short protein forms M450V.
Identifiers: ClinVar variation 2745804 (VCV002745804.3), dbSNP rs2530926325, ClinGen allele CA359777203.

ClinVar aggregate classification (germline): Pathogenic (1 of 4 stars; one submission).

Conditions:
46,XY sex reversal 6. Also called: 46,XY GONADAL DYSGENESIS, PARTIAL OR COMPLETE, MAP3K1-RELATED; 46,XY SEX REVERSAL, PARTIAL OR COMPLETE, MAP3K1-RELATED. Identifiers: MedGen C3151064, MONDO:0013410, OMIM 613762.

Submission:

Labcorp Genetics (formerly Invitae), Labcorp
Classification: Pathogenic for 46,XY sex reversal 6. Last evaluated: 2023-09-01. Review status: criteria provided, single submitter. Criteria: Invitae Variant Classification Sherloc (09022015). Collection method: clinical testing. Allele origin: germline.
Comment: This sequence change replaces methionine, which is neutral and non-polar, with valine, which is neutral and non-polar, at codon 450 of the MAP3K1 protein (p.Met450Val). For these reasons, this variant has been classified as Pathogenic. Advanced modeling of protein sequence and biophysical properties (such as structural, functional, and spatial information, amino acid conservation, physicochemical variation, residue mobility, and thermodynamic stability) performed at Invitae indicates that this missense variant is expected to disrupt MAP3K1 protein function. This missense change has been observed in individual(s) with MAP3K1-related conditions (Invitae). In at least one individual the variant was observed to be de novo. This variant is not present in population databases (gnomAD no frequency).